The following is an entry in ClinVar:

NM_003560.4(PLA2G6):c.1392G>A (p.Ala464=)

Gene: PLA2G6 (phospholipase A2 group VI; minus strand). Cytogenetic location: 22q13.1.
Variant type: single nucleotide variant.
Coding change: c.1392G>A on transcript NM_003560.4 (MANE Select); coding-DNA position 1392, G replaced by A.
Protein change: p.Ala464=; no amino-acid change (alanine 464 retained).
Molecular consequence: synonymous variant.
Genome position (GRCh38, 1-based): chr22:38,126,406, C>T on the plus strand (G>A on the coding strand, the complement: PLA2G6 is on the minus strand). VCF-style: chr22-38126406-C-T. GRCh37 (hg19) VCF-style: chr22-38522413-C-T.
Other names: c.1230G>A, p.Ala410= (NM_001004426.3, NM_001199562.3, NM_001349865.2 and 1 more transcripts); c.1392G>A, p.Ala464= (NM_001349864.2); c.858G>A, p.Ala286= (NM_001349867.2); c.714G>A, p.Ala238= (NM_001349868.2); c.696G>A, p.Ala232= (NM_001349869.2).
Identifiers: ClinVar variation 2746841 (VCV002746841.5), dbSNP rs776894280, ClinGen allele CA10230884.

ClinVar aggregate classification (germline): Likely benign. Review status: criteria provided, multiple submitters, no conflicts (2 of 4 stars). 2 submissions from 2 submitters: Likely benign (2). Last evaluated 2026-04-01.

Conditions:
Infantile neuroaxonal dystrophy (NBIA2A). Also called: NEURODEGENERATION WITH BRAIN IRON ACCUMULATION 2A; SEITELBERGER DISEASE; Infantile neuroaxonal dystrophy 1. Identifiers: Orphanet 35069, MedGen C0270724, MONDO:0024457, OMIM 256600.

Allele frequency attached by ClinVar (database versions not stated): ExAC 0.00001; gnomAD 0.00001; gnomAD exomes 0.00001.

Submissions (2):

CeGaT Center for Human Genetics Tuebingen
Classification: Likely benign. Last evaluated: 2026-04-01. Review status: criteria provided, single submitter. Criteria: CeGaT Center For Human Genetics Tuebingen Variant Classification Criteria Version 2. Collection method: clinical testing. Allele origin: germline. Affected: yes. Observed: 1 variant allele.
Comment: PLA2G6: BP4, BP7

Labcorp Genetics (formerly Invitae), Labcorp
Classification: Likely benign for Infantile neuroaxonal dystrophy. Last evaluated: 2025-11-28. Review status: criteria provided, single submitter. Criteria: Invitae Variant Classification Sherloc (09022015). Collection method: clinical testing. Allele origin: germline.